The following is an entry in ClinVar:

NM_001844.5(COL2A1):c.589G>T (p.Gly197Ter)

Gene: COL2A1 (collagen type II alpha 1 chain; minus strand). Cytogenetic location: 12q13.11.
Variant type: single nucleotide variant.
Coding change: c.589G>T on transcript NM_001844.5 (MANE Select); coding-DNA position 589, G replaced by T.
Protein change: p.Gly197Ter; replaces glycine 197 with a stop codon.
Molecular consequence: nonsense.
Genome position (GRCh38, 1-based): chr12:47,996,568, C>A on the plus strand (G>T on the coding strand, the complement: COL2A1 is on the minus strand). VCF-style: chr12-47996568-C-A. GRCh37 (hg19) VCF-style: chr12-48390351-C-A.
Other names: c.382G>T, p.Gly128Ter (NM_033150.3); short protein forms G128*, G197*.
Identifiers: ClinVar variation 4888187 (VCV004888187.1).

ClinVar aggregate classification (germline): Pathogenic (1 of 4 stars; one submission).

Submission:

GeneDx
Classification: Pathogenic. Last evaluated: 2026-03-07. Review status: criteria provided, single submitter. Criteria: GeneDx Variant Classification Process June 2021. Collection method: clinical testing. Allele origin: germline.
Comment: Nonsense variant predicted to result in protein truncation or nonsense mediated decay in a gene for which loss of function is a known mechanism of disease; Has not been previously published as pathogenic or benign to our knowledge; Not observed at significant frequency in large population cohorts (gnomAD)